The following is an entry in ClinVar:

ClinVar aggregate classification (germline): Uncertain significance (1 of 4 stars; one submission).

Conditions:
Early-infantile DEE. Also called: Ohtahara syndrome; Early infantile epileptic encephalopathy with suppression bursts; Early infantile epileptic encephalopathy. Identifiers: Orphanet 1934, MedGen C0393706, MONDO:0800491.

Submission:

Labcorp Genetics (formerly Invitae), Labcorp
Classification: Uncertain significance for Early-infantile DEE. Last evaluated: 2019-11-20. Review status: criteria provided, single submitter. Criteria: Invitae Variant Classification Sherloc (09022015). Collection method: clinical testing. Allele origin: germline.
Comment: In summary, the available evidence is currently insufficient to determine the role of this variant in disease. Therefore, it has been classified as a Variant of Uncertain Significance. This variant disrupts the p.Asp259 amino acid residue in KCNQ2. Other variant(s) that disrupt this residue have been observed in individuals with KCNQ2-related conditions (PMID: 29215089, 27535030), which suggests that this may be a clinically significant amino acid residue. Algorithms developed to predict the effect of missense changes on protein structure and function (SIFT, PolyPhen-2, Align-GVGD) all suggest that this variant is likely to be tolerated, but these predictions have not been confirmed by published functional studies and their clinical significance is uncertain. This variant has not been reported in the literature in individuals with KCNQ2-related conditions. This variant is not present in population databases (ExAC no frequency). This sequence change replaces aspartic acid with glutamic acid at codon 259 of the KCNQ2 protein (p.Asp259Glu). The aspartic acid residue is moderately conserved and there is a small physicochemical difference between aspartic acid and glutamic acid.

Literature cited by the submitters: PubMed 29215089; PubMed 27535030.

NM_172107.4(KCNQ2):c.777C>A (p.Asp259Glu)

Gene: KCNQ2 (potassium voltage-gated channel subfamily Q member 2; minus strand). Cytogenetic location: 20q13.33.
Variant type: single nucleotide variant.
Coding change: c.777C>A on transcript NM_172107.4 (MANE Select); coding-DNA position 777, C replaced by A.
Protein change: p.Asp259Glu; replaces aspartic acid 259 with glutamic acid.
Molecular consequence: missense variant.
Genome position (GRCh38, 1-based): chr20:63,442,445, G>T on the plus strand (C>A on the coding strand, the complement: KCNQ2 is on the minus strand). VCF-style: chr20-63442445-G-T. GRCh37 (hg19) VCF-style: chr20-62073798-G-T.
Other names: c.777C>A, p.Asp259Glu (NM_004518.6, NM_172106.3, NM_172108.5 and 1 more transcripts); short protein forms D259E.
Identifiers: ClinVar variation 852143 (VCV000852143.10), dbSNP rs2081188808, ClinGen allele CA409653456.